The following is an entry in ClinVar:

NM_001142800.2(EYS):c.3298G>T (p.Gly1100Ter)

Gene: EYS (EGF-like photoreceptor maintenance factor; minus strand). Cytogenetic location: 6q12.
Variant type: single nucleotide variant.
Coding change: c.3298G>T on transcript NM_001142800.2 (MANE Select); coding-DNA position 3298, G replaced by T.
Protein change: p.Gly1100Ter; replaces glycine 1100 with a stop codon.
Molecular consequence: nonsense.
Genome position (GRCh38, 1-based): chr6:64,813,523, C>A on the plus strand (G>T on the coding strand, the complement: EYS is on the minus strand). VCF-style: chr6-64813523-C-A. GRCh37 (hg19) VCF-style: chr6-65523416-C-A.
Other names: c.3298G>T, p.Gly1100Ter (NM_001292009.2); short protein forms G1100*.
Identifiers: ClinVar variation 2675231 (VCV002675231.4), dbSNP rs752024576, ClinGen allele CA364786985.

ClinVar aggregate classification (germline): Pathogenic/Likely pathogenic. Review status: criteria provided, multiple submitters, no conflicts (2 of 4 stars). 2 submissions from 2 submitters: Pathogenic (1); Likely pathogenic (1). Last evaluated 2023-10-30.

Conditions:
Retinitis pigmentosa 25 (RP25). Identifiers: Orphanet 791, MedGen C1864446, MONDO:0011272, OMIM 602772.

Submissions (2):

Baylor Genetics
Classification: Likely pathogenic for Retinitis pigmentosa 25. Last evaluated: 2023-10-30. Review status: criteria provided, single submitter. Criteria: ACMG Guidelines, 2015. Collection method: clinical testing. Allele origin: unknown.

Labcorp Genetics (formerly Invitae), Labcorp
Classification: Pathogenic. Last evaluated: 2022-11-01. Review status: criteria provided, single submitter. Criteria: Invitae Variant Classification Sherloc (09022015). Collection method: clinical testing. Allele origin: germline.
Comment: For these reasons, this variant has been classified as Pathogenic. This variant has not been reported in the literature in individuals affected with EYS-related conditions. This variant is not present in population databases (gnomAD no frequency). This sequence change creates a premature translational stop signal (p.Gly1100*) in the EYS gene. It is expected to result in an absent or disrupted protein product. Loss-of-function variants in EYS are known to be pathogenic (PMID: 18836446, 20333770).

Literature cited by the submitters: PubMed 18836446 (cited by Labcorp Genetics (formerly Invitae), Labcorp); PubMed 20333770 (cited by Labcorp Genetics (formerly Invitae), Labcorp).